The following is an entry in ClinVar:

ClinVar aggregate classification (germline): Likely benign. Review status: criteria provided, multiple submitters, no conflicts (2 of 4 stars). 2 submissions from 2 submitters: Likely benign (2). Last evaluated 2023-06-12.

Conditions:
Familial hypercholesterolemia. Also called: Familial hypercholesterolaemia. Identifiers: MedGen C0020445, MONDO:0005439.

Submissions (2):

GENinCode PLC
Classification: Likely benign for Familial hypercholesterolemia. Last evaluated: 2023-06-12. Review status: criteria provided, single submitter. Criteria: ACMG Guidelines, 2015. Collection method: clinical testing. Allele origin: germline.
Comment: This is a synonymous (silent) variant that is not predicted by SpliceAI to impact splicing. In addition, it occurs at a nucleotide that is not conserved. Therefore this variant has been classified as Likely Benign (BP4, BP7).

Color Diagnostics, LLC DBA Color Health
Classification: Likely benign for Familial hypercholesterolemias. Last evaluated: 2017-08-28. Review status: criteria provided, single submitter. Criteria: ACMG Guidelines, 2015. Collection method: clinical testing. Allele origin: germline.

NM_174936.4(PCSK9):c.132C>T (p.Ala44=)

Gene: PCSK9 (proprotein convertase subtilisin/kexin type 9; plus strand). Cytogenetic location: 1p32.3.
Variant type: single nucleotide variant.
Coding change: c.132C>T on transcript NM_174936.4 (MANE Select); coding-DNA position 132, C replaced by T.
Protein change: p.Ala44=; no amino-acid change (alanine 44 retained).
Molecular consequence: synonymous variant.
Genome position (GRCh38, 1-based): chr1:55,039,969, C>T. VCF-style: chr1-55039969-C-T. GRCh37 (hg19) VCF-style: chr1-55505642-C-T.
Identifiers: ClinVar variation 630633 (VCV000630633.3), dbSNP rs1178309760, ClinGen allele CA417957388.